The following is an entry in ClinVar:

NM_000053.4(ATP7B):c.3557-7G>A

Gene: ATP7B (ATPase copper transporting beta; minus strand). Cytogenetic location: 13q14.3.
Variant type: single nucleotide variant.
Coding change: c.3557-7G>A on transcript NM_000053.4 (MANE Select); 7 bases into the intron before coding-DNA position 3557, G replaced by A.
Molecular consequence: intron variant.
Genome position (GRCh38, 1-based): chr13:51,939,200, C>T on the plus strand (G>A on the coding strand, the complement: ATP7B is on the minus strand). VCF-style: chr13-51939200-C-T. GRCh37 (hg19) VCF-style: chr13-52513336-C-T.
Other names: c.3224-7G>A (NM_001243182.2); c.2936-7G>A (NM_001005918.3); c.3305-7G>A (NM_001330579.2); c.3323-7G>A (NM_001330578.2).
Identifiers: ClinVar variation 254769 (VCV000254769.11), dbSNP rs368128448, ClinGen allele CA6988639.
Genomic context (GRCh38, chr13:51,939,200, plus strand): 5'-GGGCAGCCTCCTGCTTGACAGCGTCTGCGATTGCGATCATCCCACAGAGCACACCTGGAG[C>T]GAACCAGCCAGCATCAGCAGCTACACAAGTTGGGGCACCCCGCACCAAGATACCACACTT-3'

ClinVar aggregate classification (germline): Likely benign. Review status: criteria provided, multiple submitters, no conflicts (2 of 4 stars). 4 submissions from 4 submitters: Likely benign (4). Last evaluated 2024-10-30.

Conditions:
Wilson disease (WND). Also called: Wilson's disease. Identifiers: Orphanet 905, MedGen C0019202, MONDO:0010200, OMIM 277900. Disease mechanism: loss of function.

Allele frequency attached by ClinVar (database versions not stated): ExAC 0.00002; TOPMed 0.00002; gnomAD 0.00003; ESP Exome Variant Server 0.00008.
gnomAD v4.1: 35 of 1,612,348 alleles (0.0022%); highest among the groups gnomAD compares: East Asian, 0.0067%; no homozygotes.

Submissions (4):

Labcorp Genetics (formerly Invitae), Labcorp
Classification: Likely benign for Wilson disease. Last evaluated: 2024-10-30. Review status: criteria provided, single submitter. Criteria: Invitae Variant Classification Sherloc (09022015). Collection method: clinical testing. Allele origin: germline.

All of Us Research Program, National Institutes of Health
Classification: Likely benign for Wilson disease. Last evaluated: 2023-10-02. Review status: criteria provided, single submitter. Criteria: ACMG Guidelines, 2015. Collection method: clinical testing. Allele origin: germline. Inheritance: Autosomal recessive inheritance. Observed: 4 variant alleles, 4 heterozygotes.
Comment: This study involves interpretation of variants in research participants for the purpose of population health screening. Participant phenotype was not available at the time of variant classification. Additional details can be found in publication PMID: 35346344, PMCID: PMC8962531

Color Diagnostics, LLC DBA Color Health
Classification: Likely benign for Wilson disease. Last evaluated: 2022-09-22. Review status: criteria provided, single submitter. Criteria: ACMG Guidelines, 2015. Collection method: clinical testing. Allele origin: germline.

PreventionGenetics, part of Exact Sciences
Classification: Likely benign. Review status: criteria provided, single submitter. Criteria: ACMG Guidelines, 2015. Collection method: clinical testing. Allele origin: germline.